The following is an entry in ClinVar:

NM_000090.4(COL3A1):c.4323dup (p.Val1442fs)

Gene: COL3A1 (collagen type III alpha 1 chain; plus strand). Cytogenetic location: 2q32.2.
Variant type: Duplication.
Coding change: c.4323dup on transcript NM_000090.4 (MANE Select); coding-DNA position 4323, one base duplicated (T; older notation c.4323dupT).
Protein change: p.Val1442fs; shifts the reading frame from valine 1442.
Molecular consequence: frameshift variant.
Genome position (GRCh38, 1-based): chr2:189,011,696, T duplicated; the last of 2 consecutive T bases (chr2:189,011,695-189,011,696); duplicating either gives the same sequence. VCF-style (leftmost placement, unchanged base first): chr2-189011694-A-AT. GRCh37 (hg19) VCF-style: chr2-189876420-A-AT.
Other names: short protein forms V1442fs.
Identifiers: ClinVar variation 936031 (VCV000936031.8), dbSNP rs1688730568, ClinGen allele CA1139657545.
Genomic context (GRCh38, chr2:189,011,694, plus strand): 5'-ACTGGGGAATGGAGCAAAACAGTCTTTGAATATCGAACACGCAAGGCTGTGAGACTACCT[A>AT]TTGTAGATATTGCACCCTATGACATTGGTGGTCCTGATCAAGAATTTGGTGTGGACGTTG-3'

ClinVar aggregate classification (germline): Pathogenic (1 of 4 stars; one submission).

Conditions:
Ehlers-Danlos syndrome, type 4 (EDSVASC). Also called: Ehlers-Danlos syndrome vascular type; Ehlers Danlos syndrome, ecchymotic type; Ehlers Danlos syndrome, arterial type; Ehlers Danlos syndrome, Sack-Barabas type; Ehlers-Danlos Syndrome Type IV. Identifiers: Orphanet 286, MedGen C0268338, MONDO:0017314, OMIM 130050.

Submission:

Labcorp Genetics (formerly Invitae), Labcorp
Classification: Pathogenic for Ehlers-Danlos syndrome, type 4. Last evaluated: 2022-10-28. Review status: criteria provided, single submitter. Criteria: Invitae Variant Classification Sherloc (09022015). Collection method: clinical testing. Allele origin: germline.
Comment: This variant has not been reported in the literature in individuals affected with COL3A1-related conditions. For these reasons, this variant has been classified as Pathogenic. This variant disrupts a region of the COL3A1 protein in which other variant(s) (p.Phe1456Leu) have been determined to be pathogenic (Invitae). This suggests that this is a clinically significant region of the protein, and that variants that disrupt it are likely to be disease-causing. ClinVar contains an entry for this variant (Variation ID: 936031). This variant is not present in population databases (gnomAD no frequency). This sequence change creates a premature translational stop signal (p.Val1442Cysfs*7) in the COL3A1 gene. While this is not anticipated to result in nonsense mediated decay, it is expected to disrupt the last 25 amino acid(s) of the COL3A1 protein.